The following is an entry in ClinVar:

ClinVar aggregate classification (germline): Uncertain significance (1 of 4 stars; one submission).

Submission:

Labcorp Genetics (formerly Invitae), Labcorp
Classification: Uncertain significance. Last evaluated: 2022-04-29. Review status: criteria provided, single submitter. Criteria: Invitae Variant Classification Sherloc (09022015). Collection method: clinical testing. Allele origin: germline.
Comment: In summary, the available evidence is currently insufficient to determine the role of this variant in disease. Therefore, it has been classified as a Variant of Uncertain Significance. Algorithms developed to predict the effect of missense changes on protein structure and function are either unavailable or do not agree on the potential impact of this missense change (SIFT: "Deleterious"; PolyPhen-2: "Not Available"; Align-GVGD: "Class C15"). This variant has not been reported in the literature in individuals affected with COL2A1-related conditions. This variant is not present in population databases (gnomAD no frequency). This sequence change replaces glutamic acid, which is acidic and polar, with valine, which is neutral and non-polar, at codon 826 of the COL2A1 protein (p.Glu826Val).

NM_001844.5(COL2A1):c.2477A>T (p.Glu826Val)

Gene: COL2A1 (collagen type II alpha 1 chain; minus strand). Cytogenetic location: 12q13.11.
Variant type: single nucleotide variant.
Coding change: c.2477A>T on transcript NM_001844.5 (MANE Select); coding-DNA position 2477, A replaced by T.
Protein change: p.Glu826Val; replaces glutamic acid 826 with valine.
Molecular consequence: missense variant.
Genome position (GRCh38, 1-based): chr12:47,980,955, T>A on the plus strand (A>T on the coding strand, the complement: COL2A1 is on the minus strand). VCF-style: chr12-47980955-T-A. GRCh37 (hg19) VCF-style: chr12-48374738-T-A.
Other names: c.2270A>T, p.Glu757Val (NM_033150.3); short protein forms E826V, E757V.
Identifiers: ClinVar variation 2122808 (VCV002122808.4), dbSNP rs1312114770, ClinGen allele CA384545013.